The following is an entry in ClinVar:

NM_001379286.1(ZNF423):c.1545C>T (p.Asn515=)

Gene: ZNF423 (zinc finger protein 423; minus strand). Cytogenetic location: 16q12.1.
Variant type: single nucleotide variant.
Coding change: c.1545C>T on transcript NM_001379286.1 (MANE Select); coding-DNA position 1545, C replaced by T.
Protein change: p.Asn515=; no amino-acid change (asparagine 515 retained).
Molecular consequence: synonymous variant.
Genome position (GRCh38, 1-based): chr16:49,637,631, G>A on the plus strand (C>T on the coding strand, the complement: ZNF423 is on the minus strand). VCF-style: chr16-49637631-G-A. GRCh37 (hg19) VCF-style: chr16-49671542-G-A.
Other names: c.1341C>T, p.Asn447= (NM_001271620.2); c.1170C>T, p.Asn390= (NM_001330533.2); c.1521C>T, p.Asn507= (NM_015069.5); c.1521C>T (NM_015069.4).
Identifiers: ClinVar variation 2741995 (VCV002741995.4), dbSNP rs1248312954, ClinGen allele CA495445494.
Genomic context (GRCh38, chr16:49,637,631, plus strand): 5'-AAGGAAACCCATGGAGCACTGGTTGCAGAAGAAAGCATTATTACCGTCAGAGGGGTTGGC[G>A]TTGGGGCCGCAGTGGGAGACGCGGATGTGCTCCTGCAGGCTATTGATGTCGGCGAACATC-3'
Protein context (NP_001366215.1, residues 505-525): EHIRVSHCGP[Asn515=]ANPSDGNNAF

ClinVar aggregate classification (germline): Likely benign. Review status: criteria provided, multiple submitters, no conflicts (2 of 4 stars). 2 submissions from 2 submitters: Likely benign (2). Last evaluated 2026-08-07.

Conditions:
Nephronophthisis 14 (NPHP14). Identifiers: Orphanet 2318, MedGen C3539071, MONDO:0013916, OMIM 614844.
ZNF423-related disorder. Also called: ZNF423-related condition.

Allele frequency attached by ClinVar (database versions not stated): gnomAD 0.00001; gnomAD exomes 0.00002; TOPMed 0.00004.
gnomAD v4.1: 24 of 1,613,934 alleles (0.0015%); highest among the groups gnomAD compares: East Asian, 0.013%; no homozygotes.

Submissions (2):

PreventionGenetics, part of Exact Sciences
Classification: Likely benign for ZNF423-related condition. Last evaluated: 2026-08-07. Review status: criteria provided, single submitter. Criteria: ACMG Guidelines, 2015. Collection method: clinical testing. Allele origin: germline.
Comment: This variant is classified as likely benign based on ACMG/AMP sequence variant interpretation guidelines (Richards et al. 2015 PMID: 25741868, with internal and published modifications).

Labcorp Genetics (formerly Invitae), Labcorp
Classification: Likely benign for Nephronophthisis 14. Last evaluated: 2023-05-15. Review status: criteria provided, single submitter. Criteria: Invitae Variant Classification Sherloc (09022015). Collection method: clinical testing. Allele origin: germline.